The following continues an entry in ClinVar:

NM_000218.3(KCNQ1):c.1343C>T (p.Pro448Leu)

Gene: KCNQ1. ClinVar aggregate classification (germline): Uncertain significance. Uncertain significance (1).

Submissions 8 to 16 of 16:

Women's Health and Genetics/Laboratory Corporation of America, LabCorp
Classification: Uncertain significance. Last evaluated: 2024-03-18. Review status: criteria provided, single submitter. Criteria: LabCorp Variant Classification Summary - May 2015. Collection method: clinical testing. Allele origin: germline. Not counted in ClinVar's aggregate classification.
Comment: Variant summary: KCNQ1 c.1343C>T (p.Pro448Leu) results in a non-conservative amino acid change in the encoded protein sequence. Three of five in-silico tools predict a benign effect of the variant on protein function. The variant allele was found at a frequency of 2e-05 in 250376 control chromosomes (gnomAD). The available data on variant occurrences in the general population are insufficient to allow any conclusion about variant significance. c.1343C>T has been reported in the literature in one affected family member with prolonged QT interval and four unaffected family members, but not in another family members with prolonged QT interval, indicating the variant of interest is not associated with the disease in this family (Kapplinger_2009, Giudicessi_2013). At least one publication reports experimental evidence evaluating an impact on protein function and this variant results in mild effect on protein function (Glazer_2021) in vitro. The following publications have been ascertained in the context of this evaluation (PMID: 23392653, 34930020, 19716085, 25854863, 29033053). ClinVar contains an entry for this variant (Variation ID: 67027). Based on the evidence outlined above, the variant was classified as uncertain significance.

Laboratory for Molecular Medicine, Mass General Brigham Personalized Medicine
Classification: Likely benign. Last evaluated: 2020-03-04. Review status: criteria provided, single submitter. Criteria: LMM Criteria. Collection method: clinical testing. Allele origin: germline. Observed: 1 variant allele. Not counted in ClinVar's aggregate classification.
Comment: The p.Pro448Leu variant in KCNQ1 is classified as likely benign due to a lack of conservation across species as 4 mammals carry a leucine (Leu) at this position despite high nearby amino acid conservation. In addition, computational prediction tools predict that this variant does not impact the protein. This variant has been identified in 0.03% (2/7204) of "other population" chromosomes and 0.004% (5/128667) of European chromosomes. ACMG/AMP Criteria applied: BP4_Strong.

Illumina Laboratory Services, Illumina
Classification: Uncertain significance for Short QT syndrome type 2. Last evaluated: 2019-05-07. Review status: criteria provided, single submitter. Criteria: ICSL Variant Classification Criteria 13 December 2019. Collection method: clinical testing. Allele origin: germline. Not counted in ClinVar's aggregate classification.

Illumina Laboratory Services, Illumina
Classification: Uncertain significance for Jervell and Lange-Nielsen syndrome 1. Last evaluated: 2019-05-07. Review status: criteria provided, single submitter. Criteria: ICSL Variant Classification Criteria 13 December 2019. Collection method: clinical testing. Allele origin: germline. Not counted in ClinVar's aggregate classification.

Illumina Laboratory Services, Illumina
Classification: Uncertain significance for Long QT syndrome 1. Last evaluated: 2019-05-07. Review status: criteria provided, single submitter. Criteria: ICSL Variant Classification Criteria 13 December 2019. Collection method: clinical testing. Allele origin: germline. Not counted in ClinVar's aggregate classification.
Comment: This variant was observed as part of a predisposition screen in an ostensibly healthy population. A literature search was performed for the gene, cDNA change, and amino acid change (where applicable). Publications were found based on this search. However, the evidence from the literature, in combination with allele frequency data from public databases where available, was not sufficient to rule this variant in or out of causing disease. Therefore, this variant is classified as a variant of unknown significance.

Illumina Laboratory Services, Illumina
Classification: Uncertain significance for Atrial fibrillation, familial, 3. Last evaluated: 2019-05-07. Review status: criteria provided, single submitter. Criteria: ICSL Variant Classification Criteria 13 December 2019. Collection method: clinical testing. Allele origin: germline. Not counted in ClinVar's aggregate classification.

GeneDx
Classification: Likely benign. Last evaluated: 2017-04-05. Review status: criteria provided, single submitter. Criteria: GeneDx Variant Classification (06012015). Collection method: clinical testing. Allele origin: germline. Affected: yes. Not counted in ClinVar's aggregate classification.
Comment: This variant is considered likely benign or benign based on one or more of the following criteria: it is a conservative change, it occurs at a poorly conserved position in the protein, it is predicted to be benign by multiple in silico algorithms, and/or has population frequency not consistent with disease.

CeGaT Center for Human Genetics Tuebingen
Classification: Uncertain significance. Last evaluated: 2016-12-01. Review status: criteria provided, single submitter. Criteria: CeGaT Center For Human Genetics Tuebingen Variant Classification Criteria Version 2. Collection method: clinical testing. Allele origin: germline. Affected: yes. Observed: 1 variant allele. Not counted in ClinVar's aggregate classification.

Cardiovascular Biomedical Research Unit, Royal Brompton & Harefield NHS Foundation Trust
No classification provided. Condition: Familial long QT syndrome. Review status: no classification provided. Collection method: literature only. Allele origin: germline. Not counted in ClinVar's aggregate classification.
Comment: This variant has been reported as associated with Long QT syndrome in the following publications (PMID:19716085). This is a literature report, and does not necessarily reflect the clinical interpretation of the Imperial College / Royal Brompton Cardiovascular Genetics laboratory.

Literature cited by the submitters: PubMed 23392653 (cited by 5 submitters); PubMed 34930020 (cited by 3 submitters); PubMed 19716085 (cited by 4 submitters); PubMed 25854863 (cited by Women's Health and Genetics/Laboratory Corporation of America, LabCorp and Laboratory for Molecular Medicine, Mass General Brigham Personalized Medicine); PubMed 29033053 (cited by Women's Health and Genetics/Laboratory Corporation of America, LabCorp); PubMed 22581653 (cited by Cardiovascular Biomedical Research Unit, Royal Brompton & Harefield NHS Foundation Trust).